The following is an entry in ClinVar:

NM_022081.6(HPS4):c.931C>A (p.Pro311Thr)

Gene: HPS4 (HPS4 biogenesis of lysosomal organelles complex 3 subunit 2; minus strand). Cytogenetic location: 22q12.1.
Variant type: single nucleotide variant.
Coding change: c.931C>A on transcript NM_022081.6 (MANE Select); coding-DNA position 931, C replaced by A.
Protein change: p.Pro311Thr; replaces proline 311 with threonine.
Molecular consequence: missense variant. On other transcripts: non-coding transcript variant (8).
Genome position (GRCh38, 1-based): chr22:26,464,699, G>T on the plus strand (C>A on the coding strand, the complement: HPS4 is on the minus strand). VCF-style: chr22-26464699-G-T. GRCh37 (hg19) VCF-style: chr22-26860665-G-T.
Other names: p.Pro311Thr; c.931C>A, p.Pro311Thr (NM_001349896.1, NM_001349898.2, NM_001349899.2 and 4 more transcripts); c.985C>A, p.Pro329Thr (NM_001349900.2, NM_001349901.1); c.916C>A, p.Pro306Thr (NM_152841.2); c.931C>A (NM_022081.4); short protein forms P311T, P306T, P329T.
Identifiers: ClinVar variation 341012 (VCV000341012.13), dbSNP rs140732502, ClinGen allele CA10163441.

ClinVar aggregate classification (germline): Uncertain significance. Review status: criteria provided, multiple submitters, no conflicts (2 of 4 stars). 6 submissions from 6 submitters: Uncertain significance (6). Last evaluated 2025-10-03.

Conditions:
Inborn genetic diseases. Identifiers: MedGen C0950123, MeSH D030342.
Hermansky-Pudlak syndrome 4 (HPS4). Identifiers: Orphanet 231500, Orphanet 79430, MedGen C3484357, MONDO:0013556, OMIM 614073.

Allele frequency attached by ClinVar (database versions not stated): ExAC 0.00008; gnomAD exomes 0.00014 and 0.00033; gnomAD 0.00026; TOPMed 0.00039; ESP Exome Variant Server 0.00046.
gnomAD v4.1: 528 of 1,607,562 alleles (0.033%); highest among the groups gnomAD compares: Admixed American, 0.047%; no homozygotes.

Submissions (6):

Mayo Clinic Laboratories, Mayo Clinic
Classification: Uncertain significance. Last evaluated: 2025-10-03. Review status: criteria provided, single submitter. Criteria: ACMG Guidelines, 2015. Collection method: clinical testing. Allele origin: germline. Observed: 2 variant alleles.
Comment: BP4_moderate

Ambry Genetics
Classification: Uncertain significance for Inborn genetic diseases. Last evaluated: 2025-08-01. Review status: criteria provided, single submitter. Criteria: Ambry Variant Classification Scheme 2023. Collection method: clinical testing. Allele origin: germline.

Women's Health and Genetics/Laboratory Corporation of America, LabCorp
Classification: Uncertain significance. Last evaluated: 2025-06-12. Review status: criteria provided, single submitter. Criteria: LabCorp Variant Classification Summary - May 2015. Collection method: clinical testing. Allele origin: germline.
Comment: Variant summary: HPS4 c.931C>A (p.Pro311Thr) results in a non-conservative amino acid change in the encoded protein sequence. Algorithms developed to predict the effect of missense changes on protein structure and function are either unavailable or do not agree on the potential impact of this missense change. The variant allele was found at a frequency of 0.00014 in 248632 control chromosomes. This frequency is not significantly higher than estimated for a pathogenic variant in HPS4 causing Hermansky-Pudlak Syndrome (0.00014 vs 0.00052), allowing no conclusion about variant significance. To our knowledge, no occurrence of c.931C>A in individuals affected with Hermansky-Pudlak Syndrome and no experimental evidence demonstrating its impact on protein function have been reported. ClinVar contains an entry for this variant (Variation ID: 341012). Based on the evidence outlined above, the variant was classified as uncertain significance.

Blueprint Genetics
Classification: Uncertain significance. Last evaluated: 2024-09-19. Review status: criteria provided, single submitter. Criteria: ACMG Guidelines, 2015. Collection method: clinical testing. Allele origin: germline.

Labcorp Genetics (formerly Invitae), Labcorp
Classification: Uncertain significance. Last evaluated: 2022-10-20. Review status: criteria provided, single submitter. Criteria: Invitae Variant Classification Sherloc (09022015). Collection method: clinical testing. Allele origin: germline.
Comment: This sequence change replaces proline, which is neutral and non-polar, with threonine, which is neutral and polar, at codon 311 of the HPS4 protein (p.Pro311Thr). This variant is present in population databases (rs140732502, gnomAD 0.03%). This variant has not been reported in the literature in individuals affected with HPS4-related conditions. ClinVar contains an entry for this variant (Variation ID: 341012). Algorithms developed to predict the effect of missense changes on protein structure and function are either unavailable or do not agree on the potential impact of this missense change (SIFT: "Tolerated"; PolyPhen-2: "Possibly Damaging"; Align-GVGD: "Class C0"). In summary, the available evidence is currently insufficient to determine the role of this variant in disease. Therefore, it has been classified as a Variant of Uncertain Significance.

Illumina Laboratory Services, Illumina
Classification: Uncertain significance for Hermansky-Pudlak syndrome 4. Last evaluated: 2018-01-13. Review status: criteria provided, single submitter. Criteria: ICSL Variant Classification Criteria 13 December 2019. Collection method: clinical testing. Allele origin: germline.